The following is an entry in ClinVar:

NM_005431.2(XRCC2):c.412T>C (p.Cys138Arg)

Gene: XRCC2 (X-ray repair cross complementing 2; minus strand). Cytogenetic location: 7q36.1.
Variant type: single nucleotide variant.
Coding change: c.412T>C on transcript NM_005431.2 (MANE Select); coding-DNA position 412, T replaced by C.
Protein change: p.Cys138Arg; replaces cysteine 138 with arginine.
Molecular consequence: missense variant.
Genome position (GRCh38, 1-based): chr7:152,649,073, A>G on the plus strand (T>C on the coding strand, the complement: XRCC2 is on the minus strand). VCF-style: chr7-152649073-A-G. GRCh37 (hg19) VCF-style: chr7-152346158-A-G.
Other names: short protein forms C138R.
Identifiers: ClinVar variation 3817851 (VCV003817851.1).
Genomic context (GRCh38, chr7:152,649,073, plus strand): 5'-CTATCCAGTAAAAAGCTGACAGGCTATCCAAAATCAAAAGGCAGAGAGATGGGTGACTAC[A>G]AAACATACTTTCTAGTGAGTAAAGTGTAAGAAGTAAGTGGGTGCTACTACTGCAGTACAC-3'
Protein context (NP_005422.1, residues 128-148): LTLYSLESMF[Cys138Arg]SHPSLCLLIL

ClinVar aggregate classification (germline): Uncertain significance (1 of 4 stars; one submission).

Conditions:
Hereditary cancer-predisposing syndrome. Also called: Hereditary neoplastic syndrome; Neoplastic Syndromes, Hereditary; Tumor predisposition; Hereditary Cancer Syndrome. Identifiers: Orphanet 140162, MedGen C0027672, MeSH D009386, MONDO:0015356.

Submission:

Ambry Genetics
Classification: Uncertain significance for Hereditary cancer-predisposing syndrome. Last evaluated: 2025-03-08. Review status: criteria provided, single submitter. Criteria: Ambry Variant Classification Scheme 2023. Collection method: clinical testing. Allele origin: germline.
Comment: The p.C138R variant (also known as c.412T>C), located in coding exon 3 of the XRCC2 gene, results from a T to C substitution at nucleotide position 412. The cysteine at codon 138 is replaced by arginine, an amino acid with highly dissimilar properties. This amino acid position is conserved. In addition, this alteration is predicted to be deleterious by in silico analysis. Based on the available evidence, the clinical significance of this variant remains unclear.